The following is an entry in ClinVar:

NM_001903.5(CTNNA1):c.1280C>T (p.Ala427Val)

Gene: CTNNA1 (catenin alpha 1; plus strand). Cytogenetic location: 5q31.2.
Variant type: single nucleotide variant.
Coding change: c.1280C>T on transcript NM_001903.5 (MANE Select); coding-DNA position 1280, C replaced by T.
Protein change: p.Ala427Val; replaces alanine 427 with valine.
Molecular consequence: missense variant. On other transcripts: 5 prime UTR variant (5), intron variant (2).
Genome position (GRCh38, 1-based): chr5:138,887,626, C>T. VCF-style: chr5-138887626-C-T. GRCh37 (hg19) VCF-style: chr5-138223315-C-T.
Other names: c.1280C>T, p.Ala427Val (NM_001290307.3, NM_001323982.2, NM_001323983.1 and 3 more transcripts); c.971C>T, p.Ala324Val (NM_001290309.3); c.911C>T, p.Ala304Val (NM_001290310.3); c.170C>T, p.Ala57Val (NM_001290312.1, NM_001323987.1, NM_001323988.1 and 18 more transcripts); c.-228C>T (NM_001324006.1, NM_001324007.1, NM_001324008.1 and 1 more transcripts); c.-103C>T (NM_001324013.1); c.-58+12029C>T (NM_001324012.1); c.-61+12029C>T (NM_001324010.1); short protein forms A304V, A324V, A57V, A427V.
Identifiers: ClinVar variation 866104 (VCV000866104.5), dbSNP rs1754361470, ClinGen allele CA361133242.

ClinVar aggregate classification (germline): Uncertain significance. Review status: criteria provided, multiple submitters, no conflicts (2 of 4 stars). 3 submissions from 3 submitters: Uncertain significance (3). Last evaluated 2025-07-06.

Conditions:
Hereditary cancer-predisposing syndrome. Also called: Neoplastic Syndromes, Hereditary; Tumor predisposition; Hereditary Cancer Syndrome; Hereditary neoplastic syndrome. Identifiers: Orphanet 140162, MedGen C0027672, MeSH D009386, MONDO:0015356.

Submissions (3):

Ambry Genetics
Classification: Uncertain significance for Hereditary cancer-predisposing syndrome. Last evaluated: 2025-07-06. Review status: criteria provided, single submitter. Criteria: Ambry Variant Classification Scheme 2023. Collection method: clinical testing. Allele origin: germline.
Comment: The p.A427V variant (also known as c.1280C>T), located in coding exon 8 of the CTNNA1 gene, results from a C to T substitution at nucleotide position 1280. The alanine at codon 427 is replaced by valine, an amino acid with similar properties. This amino acid position is conserved. In addition, the in silico prediction for this alteration is inconclusive. Based on the available evidence, the clinical significance of this variant remains unclear.

Labcorp Genetics (formerly Invitae), Labcorp
Classification: Uncertain significance. Last evaluated: 2024-02-18. Review status: criteria provided, single submitter. Criteria: Invitae Variant Classification Sherloc (09022015). Collection method: clinical testing. Allele origin: germline.
Comment: This sequence change replaces alanine, which is neutral and non-polar, with valine, which is neutral and non-polar, at codon 427 of the CTNNA1 protein (p.Ala427Val). This variant is not present in population databases (gnomAD no frequency). This variant has not been reported in the literature in individuals affected with CTNNA1-related conditions. ClinVar contains an entry for this variant (Variation ID: 866104). Advanced modeling of protein sequence and biophysical properties (such as structural, functional, and spatial information, amino acid conservation, physicochemical variation, residue mobility, and thermodynamic stability) performed at Invitae indicates that this missense variant is not expected to disrupt CTNNA1 protein function with a negative predictive value of 80%. In summary, the available evidence is currently insufficient to determine the role of this variant in disease. Therefore, it has been classified as a Variant of Uncertain Significance.

Blueprint Genetics
Classification: Uncertain significance. Last evaluated: 2018-07-15. Review status: criteria provided, single submitter. Criteria: ACMG Guidelines, 2015. Collection method: clinical testing. Allele origin: germline.